The following is an entry in ClinVar:

ClinVar aggregate classification (germline): Uncertain significance (1 of 4 stars; one submission).

Submission:

GeneDx
Classification: Uncertain significance. Last evaluated: 2026-09-11. Review status: criteria provided, single submitter. Criteria: GeneDx Variant Classification Process June 2021. Collection method: clinical testing. Allele origin: germline.
Comment: Not observed in large population cohorts (gnomAD); In silico analysis, which includes protein predictors and evolutionary conservation, supports that this variant does not alter protein structure/function; Has not been previously published as pathogenic or benign to our knowledge

NM_001555.5(IGSF1):c.3955A>T (p.Asn1319Tyr)

Gene: IGSF1 (immunoglobulin superfamily member 1; minus strand). Cytogenetic location: Xq26.1.
Variant type: single nucleotide variant.
Coding change: c.3955A>T on transcript NM_001555.5 (MANE Select); coding-DNA position 3955, A replaced by T.
Protein change: p.Asn1319Tyr; replaces asparagine 1319 with tyrosine.
Molecular consequence: missense variant.
Genome position (GRCh38, 1-based): chrX:131,273,852, T>A on the plus strand (A>T on the coding strand, the complement: IGSF1 is on the minus strand). VCF-style: chrX-131273852-T-A. GRCh37 (hg19) VCF-style: chrX-130407826-T-A.
Other names: c.3970A>T, p.Asn1324Tyr (NM_001170961.2); c.3928A>T, p.Asn1310Tyr (NM_001170962.2); short protein forms N1310Y, N1319Y, N1324Y.
Identifiers: ClinVar variation 1309284 (VCV001309284.3), dbSNP rs2124073740, ClinGen allele CA414555610.
Genomic context (GRCh38, chrX:131,273,852, plus strand): 5'-ATTATTATATTGGAACGGGCAGTTCCACAGAGATTCTCTGAGAGGTTGATGAAGGAGAAT[T>A]GGCAGGGGTGCCTGGTTCTCCTTCTTGGTTACACTCTTCAAGGGCAATGGTCTGGTCTCT-3'
Protein context (NP_001546.2, residues 1309-1329): NQEGEPGTPA[Asn1319Tyr]SPSSTSQRIS